The following is an entry in ClinVar:

ClinVar aggregate classification (germline): Uncertain significance. Review status: criteria provided, multiple submitters, no conflicts (2 of 4 stars). 2 submissions from 2 submitters: Uncertain significance (2). Last evaluated 2025-03-28.

Conditions:
Hereditary pancreatitis (PCTT). Also called: Hereditary chronic pancreatitis; PRSS1-Related Hereditary Pancreatitis. Identifiers: Orphanet 676, MedGen C0238339, MONDO:0008185, OMIM 167800.

Allele frequency attached by ClinVar (database versions not stated): ExAC 0.00001; gnomAD exomes 0.00001 and 0.00002; TOPMed 0.00002; gnomAD 0.00003 and 0.00004.
gnomAD v4.1: 14 of 1,613,984 alleles (0.00087%); highest among the groups gnomAD compares: Non-Finnish European, 0.0012%; no homozygotes.

Submissions (2):

Ambry Genetics
Classification: Uncertain significance for Hereditary pancreatitis. Last evaluated: 2025-03-28. Review status: criteria provided, single submitter. Criteria: Ambry Variant Classification Scheme 2023. Collection method: clinical testing. Allele origin: germline.
Comment: The p.A134T variant (also known as c.400G>A), located in coding exon 3 of the PRSS1 gene, results from a G to A substitution at nucleotide position 400. The alanine at codon 134 is replaced by threonine, an amino acid with similar properties. This amino acid position is poorly conserved in available vertebrate species. In addition, this alteration is predicted to be tolerated by in silico analysis. Since supporting evidence is limited at this time, the clinical significance of this alteration remains unclear.

Labcorp Genetics (formerly Invitae), Labcorp
Classification: Uncertain significance for Hereditary pancreatitis. Last evaluated: 2024-05-06. Review status: criteria provided, single submitter. Criteria: Invitae Variant Classification Sherloc (09022015). Collection method: clinical testing. Allele origin: germline.
Comment: This sequence change replaces alanine, which is neutral and non-polar, with threonine, which is neutral and polar, at codon 134 of the PRSS1 protein (p.Ala134Thr). The frequency data for this variant in the population databases is considered unreliable, as metrics indicate poor data quality at this position in the gnomAD database. This variant has not been reported in the literature in individuals affected with PRSS1-related conditions. ClinVar contains an entry for this variant (Variation ID: 1005644). Advanced modeling of protein sequence and biophysical properties (such as structural, functional, and spatial information, amino acid conservation, physicochemical variation, residue mobility, and thermodynamic stability) performed at Invitae indicates that this missense variant is not expected to disrupt PRSS1 protein function with a negative predictive value of 80%. In summary, the available evidence is currently insufficient to determine the role of this variant in disease. Therefore, it has been classified as a Variant of Uncertain Significance.

NM_002769.5(PRSS1):c.400G>A (p.Ala134Thr)

Genes: PRSS1 (serine protease 1; plus strand), TRB (T cell receptor beta locus; plus strand). Cytogenetic location: 7q34.
Variant type: single nucleotide variant.
Coding change: c.400G>A on transcript NM_002769.5 (MANE Select); coding-DNA position 400, G replaced by A.
Protein change: p.Ala134Thr; replaces alanine 134 with threonine.
Molecular consequence: missense variant.
Genome position (GRCh38, 1-based): chr7:142,751,973, G>A. VCF-style: chr7-142751973-G-A. GRCh37 (hg19) VCF-style: chr7-142459824-G-A.
Other names: short protein forms A134T.
Identifiers: ClinVar variation 1005644 (VCV001005644.16), dbSNP rs752456117, ClinGen allele CA4529951.